The following is an entry in ClinVar:

ClinVar aggregate classification (germline): Uncertain significance (1 of 4 stars; one submission).

Submission:

Laboratorio de Genetica e Diagnostico Molecular, Hospital Israelita Albert Einstein
Classification: Uncertain significance. Last evaluated: 2019-10-04. Review status: criteria provided, single submitter. Criteria: ACMG Guidelines, 2015. Collection method: clinical testing. Allele origin: germline. Affected: yes.
Comment: ACMG classification criteria: PM2, PP3

NM_006087.4(TUBB4A):c.511C>A (p.Pro171Thr)

Gene: TUBB4A (tubulin beta 4A class IVa; minus strand). Cytogenetic location: 19p13.3.
Variant type: single nucleotide variant.
Coding change: c.511C>A on transcript NM_006087.4 (MANE Select); coding-DNA position 511, C replaced by A.
Protein change: p.Pro171Thr; replaces proline 171 with threonine.
Molecular consequence: missense variant.
Genome position (GRCh38, 1-based): chr19:6,495,988, G>T on the plus strand (C>A on the coding strand, the complement: TUBB4A is on the minus strand). VCF-style: chr19-6495988-G-T. GRCh37 (hg19) VCF-style: chr19-6495999-G-T.
Other names: c.664C>A, p.Pro222Thr (NM_001289123.2); c.646C>A, p.Pro216Thr (NM_001289127.2); c.511C>A, p.Pro171Thr (NM_001289129.2); c.295C>A, p.Pro99Thr (NM_001289130.2, NM_001289131.2); short protein forms P171T, P216T, P222T, P99T.
Identifiers: ClinVar variation 1690693 (VCV001690693.2), dbSNP rs2145245611, ClinGen allele CA403592119.
Genomic context (GRCh38, chr19:6,495,988, plus strand): 5'-GGTGCACAGACAGCGTGGCGTTGTAGGGCTCCACCACCGTGTCTGACACTTTGGGCGAGG[G>T]CACCACGCTGAAGGTGTTCATGATGCGGTCTGGGAACTCCTCGCGGATCTTACTGATGAG-3'
Protein context (NP_006078.2, residues 161-181): DRIMNTFSVV[Pro171Thr]SPKVSDTVVE